The following is an entry in ClinVar:

ClinVar aggregate classification (germline): Uncertain significance (1 of 4 stars; one submission).

Conditions:
Emery-Dreifuss muscular dystrophy 4, autosomal dominant (EDMD4). Also called: EMERY-DREIFUSS MUSCULAR DYSTROPHY 4 WITH VARIABLE FEATURES. Identifiers: Orphanet 261, MedGen C2751807, MONDO:0013071, OMIM 612998.
Autosomal recessive ataxia, Beauce type. Also called: Spinocerebellar ataxia, autosomal recessive 8; ATAXIA, RECESSIVE, OF BEAUCE; SYNE1 Deficiency; SYNE1-Related Autosomal Recessive Cerebellar Ataxia. Identifiers: Orphanet 88644, MedGen C1853116, MONDO:0012549, OMIM 610743.

Allele frequency attached by ClinVar (database versions not stated): gnomAD exomes below 0.00001; ExAC 0.00001.
gnomAD v4.1: 2 of 1,614,170 alleles (0.00012%); highest among the groups gnomAD compares: Non-Finnish European, 0.00017%; no homozygotes.

Submission:

Labcorp Genetics (formerly Invitae), Labcorp
Classification: Uncertain significance for Emery-Dreifuss muscular dystrophy 4, autosomal dominant; Autosomal recessive ataxia, Beauce type. Last evaluated: 2022-07-06. Review status: criteria provided, single submitter. Criteria: Invitae Variant Classification Sherloc (09022015). Collection method: clinical testing. Allele origin: germline.
Comment: In summary, the available evidence is currently insufficient to determine the role of this variant in disease. Therefore, it has been classified as a Variant of Uncertain Significance. Algorithms developed to predict the effect of missense changes on protein structure and function are either unavailable or do not agree on the potential impact of this missense change (SIFT: "Deleterious"; PolyPhen-2: "Benign"; Align-GVGD: "Class C0"). This sequence change replaces lysine, which is basic and polar, with asparagine, which is neutral and polar, at codon 4680 of the SYNE1 protein (p.Lys4680Asn). ClinVar contains an entry for this variant (Variation ID: 1512943). This variant has not been reported in the literature in individuals affected with SYNE1-related conditions. This variant is present in population databases (rs766721753, gnomAD 0.0009%).

NM_182961.4(SYNE1):c.14253G>C (p.Lys4751Asn)

Gene: SYNE1 (spectrin repeat containing nuclear envelope protein 1; minus strand). Cytogenetic location: 6q25.2.
Variant type: single nucleotide variant.
Coding change: c.14253G>C on transcript NM_182961.4 (MANE Select); coding-DNA position 14253, G replaced by C.
Protein change: p.Lys4751Asn; replaces lysine 4751 with asparagine.
Molecular consequence: missense variant.
Genome position (GRCh38, 1-based): chr6:152,330,432, C>G on the plus strand (G>C on the coding strand, the complement: SYNE1 is on the minus strand). VCF-style: chr6-152330432-C-G. GRCh37 (hg19) VCF-style: chr6-152651567-C-G.
Other names: c.14040G>C, p.Lys4680Asn (NM_033071.5); short protein forms K4680N, K4751N.
Identifiers: ClinVar variation 1512943 (VCV001512943.9), dbSNP rs766721753, ClinGen allele CA4056039.